The following is an entry in ClinVar:

NM_001271.4(CHD2):c.848T>G (p.Val283Gly)

Gene: CHD2 (chromodomain helicase DNA binding protein 2; plus strand). Cytogenetic location: 15q26.1.
Variant type: single nucleotide variant.
Coding change: c.848T>G on transcript NM_001271.4 (MANE Select); coding-DNA position 848, T replaced by G.
Protein change: p.Val283Gly; replaces valine 283 with glycine.
Molecular consequence: missense variant.
Genome position (GRCh38, 1-based): chr15:92,942,864, T>G. VCF-style: chr15-92942864-T-G. GRCh37 (hg19) VCF-style: chr15-93486094-T-G.
Other names: c.848T>G, p.Val283Gly (NM_001042572.3); short protein forms V283G.
Identifiers: ClinVar variation 4083259 (VCV004083259.1).

ClinVar aggregate classification (germline): Uncertain significance (1 of 4 stars; one submission).

Submission:

GeneDx
Classification: Uncertain significance. Last evaluated: 2025-03-13. Review status: criteria provided, single submitter. Criteria: GeneDx Variant Classification Process June 2021. Collection method: clinical testing. Allele origin: germline. Affected: yes.
Comment: Not observed at significant frequency in large population cohorts (gnomAD); In silico analysis supports that this missense variant has a deleterious effect on protein structure/function; Has not been previously published as pathogenic or benign to our knowledge